The following is an entry in ClinVar:

ClinVar aggregate classification (germline): Uncertain significance. Review status: criteria provided, multiple submitters, no conflicts (2 of 4 stars). 3 submissions from 3 submitters: Uncertain significance (3). Last evaluated 2024-07-15.

Conditions:
Malignant hyperthermia, susceptibility to, 1 (MHS1). Also called: RYR1-Related Malignant Hyperthermia Susceptibility; Anesthesia related hyperthermia; Malignant hyperpyrexia; Fulminating hyperpyrexia; Pharmacogenic myopathy; Malignant hyperthermia suceptibility 1. Identifiers: Orphanet 423, MedGen C2930980, MONDO:0007783, OMIM 145600.
RYR1-related disorder. Also called: RYR1-related disorders; RYR1-related condition. Identifiers: MedGen CN239331.

Allele frequency attached by ClinVar (database versions not stated): gnomAD exomes below 0.00001 and 0.00001; ExAC 0.00001; gnomAD 0.00001; TOPMed 0.00001.
gnomAD v4.1: 7 of 1,613,666 alleles (0.00043%); highest among the groups gnomAD compares: Admixed American, 0.0067%; no homozygotes.

Submissions (3):

All of Us Research Program, National Institutes of Health
Classification: Uncertain significance for Malignant hyperthermia, susceptibility to, 1. Last evaluated: 2024-07-15. Review status: criteria provided, single submitter. Criteria: ACMG Guidelines, 2015. Collection method: clinical testing. Allele origin: germline. Inheritance: Autosomal dominant inheritance. Observed: 6 variant alleles, 6 heterozygotes.
Comment: This missense variant replaces serine with asparagine at codon 1752 of the RYR1 protein. Computational prediction suggests that this variant may not impact protein structure and function (internally defined REVEL score threshold <= 0.5, PMID: 27666373). To our knowledge, functional studies have not been reported for this variant. This variant has not been reported in individuals affected with RYR1-related disorders in the literature. This variant has been identified in 2/245366 chromosomes in the general population by the Genome Aggregation Database (gnomAD). The available evidence is insufficient to determine the role of this variant in disease conclusively. Therefore, this variant is classified as a Variant of Uncertain Significance.

This study involves interpretation of variants in research participants for the purpose of population health screening. Participant phenotype was not available at the time of variant classification. Additional details can be found in publication PMID: 35346344, PMCID: PMC8962531

Color Diagnostics, LLC DBA Color Health
Classification: Uncertain significance for Malignant hyperthermia, susceptibility to, 1. Last evaluated: 2024-05-21. Review status: criteria provided, single submitter. Criteria: ACMG Guidelines, 2015. Collection method: clinical testing. Allele origin: germline.
Comment: This missense variant replaces serine with asparagine at codon 1752 of the RYR1 protein. Computational prediction suggests that this variant may not impact protein structure and function. To our knowledge, functional studies have not been reported for this variant. This variant has not been reported in individuals affected with RYR1-related disorders in the literature. This variant has been identified in 2/245366 chromosomes in the general population by the Genome Aggregation Database (gnomAD). The available evidence is insufficient to determine the role of this variant in disease conclusively. Therefore, this variant is classified as a Variant of Uncertain Significance.

Labcorp Genetics (formerly Invitae), Labcorp
Classification: Uncertain significance for RYR1-related disorder. Last evaluated: 2022-07-05. Review status: criteria provided, single submitter. Criteria: Invitae Variant Classification Sherloc (09022015). Collection method: clinical testing. Allele origin: germline.
Comment: This sequence change replaces serine, which is neutral and polar, with asparagine, which is neutral and polar, at codon 1752 of the RYR1 protein (p.Ser1752Asn). This variant is present in population databases (rs773363892, gnomAD 0.006%). This variant has not been reported in the literature in individuals affected with RYR1-related conditions. ClinVar contains an entry for this variant (Variation ID: 1385686). Advanced modeling of protein sequence and biophysical properties (such as structural, functional, and spatial information, amino acid conservation, physicochemical variation, residue mobility, and thermodynamic stability) performed at Invitae indicates that this missense variant is not expected to disrupt RYR1 protein function. In summary, the available evidence is currently insufficient to determine the role of this variant in disease. Therefore, it has been classified as a Variant of Uncertain Significance.

NM_000540.3(RYR1):c.5255G>A (p.Ser1752Asn)

Gene: RYR1 (ryanodine receptor 1; plus strand). Cytogenetic location: 19q13.2.
Variant type: single nucleotide variant.
Coding change: c.5255G>A on transcript NM_000540.3 (MANE Select); coding-DNA position 5255, G replaced by A.
Protein change: p.Ser1752Asn; replaces serine 1752 with asparagine.
Molecular consequence: missense variant.
Genome position (GRCh38, 1-based): chr19:38,485,910, G>A. VCF-style: chr19-38485910-G-A. GRCh37 (hg19) VCF-style: chr19-38976550-G-A.
Other names: c.5255G>A, p.Ser1752Asn (NM_001042723.2); short protein forms S1752N.
Identifiers: ClinVar variation 1385686 (VCV001385686.6), dbSNP rs773363892, ClinGen allele CA066816.